The following is an entry in ClinVar:

ClinVar aggregate classification (germline): Benign. Review status: criteria provided, single submitter (1 of 4 stars). 2 submissions from 2 submitters: Benign (1). 1 of the submissions does not count toward it. Last evaluated 2018-05-08.

Conditions:
COL15A1-related disorder. Also called: COL15A1-related condition.

Allele frequency attached by ClinVar (database versions not stated): TOPMed 0.00186; 1000 Genomes Project 30x 0.00578; 1000 Genomes Project 0.00579.
gnomAD v4.1: 1,164 of 1,612,418 alleles (0.072%); highest among the groups gnomAD compares: East Asian, 2%; 7 homozygotes.

Submissions (2):

Labcorp Genetics (formerly Invitae), Labcorp
Classification: Benign. Last evaluated: 2018-05-08. Review status: criteria provided, single submitter. Criteria: Invitae Variant Classification Sherloc (09022015). Collection method: clinical testing. Allele origin: germline.

PreventionGenetics, part of Exact Sciences
Classification: Benign for COL15A1-related condition. Last evaluated: 2019-02-22. Review status: no assertion criteria provided. Collection method: clinical testing. Allele origin: germline. Not counted in ClinVar's aggregate classification.
Comment: This variant is classified as benign based on ACMG/AMP sequence variant interpretation guidelines (Richards et al. 2015 PMID: 25741868, with internal and published modifications).

NM_001855.5(COL15A1):c.1979C>T (p.Pro660Leu)

Gene: COL15A1 (collagen type XV alpha 1 chain; plus strand). Cytogenetic location: 9q22.33.
Variant type: single nucleotide variant.
Coding change: c.1979C>T on transcript NM_001855.5 (MANE Select); coding-DNA position 1979, C replaced by T.
Protein change: p.Pro660Leu; replaces proline 660 with leucine.
Molecular consequence: missense variant.
Genome position (GRCh38, 1-based): chr9:99,024,998, C>T. VCF-style: chr9-99024998-C-T. GRCh37 (hg19) VCF-style: chr9-101787280-C-T.
Other names: short protein forms P660L.
Identifiers: ClinVar variation 732789 (VCV000732789.5), dbSNP rs138655830, ClinGen allele CA5155126.
Genomic context (GRCh38, chr9:99,024,998, plus strand): 5'-TTTTCATGGGACCCCCTGGATCTCCTGGAGAGGATGGACCTGCTGGTGAACCTGGGCCCC[C>T]GGTGAGCAACTGAAGTCTTCTCCCCATCTCTGTGGCTGTGGGGCTTCCTTTAGCAGGGGA-3'
Protein context (NP_001846.3, residues 650-670): EDGPAGEPGP[Pro660Leu]GPEGQPGVDG